The following is an entry in ClinVar:

NM_001367624.2(ZNF469):c.7051G>C (p.Glu2351Gln)

Gene: ZNF469 (zinc finger protein 469; plus strand). Cytogenetic location: 16q24.2.
Variant type: single nucleotide variant.
Coding change: c.7051G>C on transcript NM_001367624.2 (MANE Select); coding-DNA position 7051, G replaced by C.
Protein change: p.Glu2351Gln; replaces glutamic acid 2351 with glutamine.
Molecular consequence: missense variant.
Genome position (GRCh38, 1-based): chr16:88,434,521, G>C. VCF-style: chr16-88434521-G-C. GRCh37 (hg19) VCF-style: chr16-88500929-G-C.
Other names: NM_001127464.1:c.6967G>C; short protein forms E2351Q.
Identifiers: ClinVar variation 3821142 (VCV003821142.1).

ClinVar aggregate classification (germline): Uncertain significance (1 of 4 stars; one submission).

Conditions:
Cardiovascular phenotype. Identifiers: MedGen CN230736.

Submission:

Ambry Genetics
Classification: Uncertain significance for Cardiovascular phenotype. Last evaluated: 2025-02-06. Review status: criteria provided, single submitter. Criteria: Ambry Variant Classification Scheme 2023. Collection method: clinical testing. Allele origin: germline.
Comment: The p.E2323Q variant (also known as c.6967G>C), located in coding exon 2 of the ZNF469 gene, results from a G to C substitution at nucleotide position 6967. The glutamic acid at codon 2323 is replaced by glutamine, an amino acid with highly similar properties. This amino acid position is conserved. In addition, this alteration is predicted to be tolerated by in silico analysis. Based on the available evidence, the clinical significance of this variant remains unclear.